The following is an entry in ClinVar:

NM_003919.3(SGCE):c.263A>G (p.Asn88Ser)

Genes: CASD1 (CAS1 domain sialic acid O acetyltransferase 1; plus strand), SGCE (sarcoglycan epsilon; minus strand). Cytogenetic location: 7q21.3.
Variant type: single nucleotide variant.
Coding change: c.263A>G on transcript NM_003919.3 (MANE Select); coding-DNA position 263, A replaced by G.
Protein change: p.Asn88Ser; replaces asparagine 88 with serine.
Molecular consequence: missense variant. On other transcripts: 5 prime UTR variant (2).
Genome position (GRCh38, 1-based): chr7:94,628,329, T>C on the plus strand (A>G on the coding strand, the complement: SGCE is on the minus strand). VCF-style: chr7-94628329-T-C. GRCh37 (hg19) VCF-style: chr7-94257641-T-C.
Other names: c.263A>G, p.Asn88Ser (NM_001099400.2, NM_001099401.2, NM_001346717.2); c.140A>G, p.Asn47Ser (NM_001301139.2, NM_001362809.2); c.371A>G, p.Asn124Ser (NM_001346713.2, NM_001346715.2); c.176A>G, p.Asn59Ser (NM_001346719.2, NM_001362807.2); c.-11A>G (NM_001346720.2, NM_001362808.2); short protein forms N47S, N59S, N124S, N88S.
Identifiers: ClinVar variation 2916591 (VCV002916591.3), dbSNP rs1804085190, ClinGen allele CA368238464.
Genomic context (GRCh38, chr7:94,628,329, plus strand): 5'-GGTGTCCTTTGGATATATCGAAGCCATCCAGGTCGGTCTGGGTAACCCATTAAATTTGTA[T>C]TAAATGTTATGGGATCATTACTAATCTCGCCTAGATAAGAAACAGAGAATTAAGACATAA-3'
Protein context (NP_003910.1, residues 78-98): GEISNDPITF[Asn88Ser]TNLMGYPDRP

ClinVar aggregate classification (germline): Uncertain significance (1 of 4 stars; one submission).

Conditions:
Myoclonic dystonia 11 (DYT11). Also called: Myoclonic dystonia; Dystonia 11; Dystonia, alcohol responsive; Hereditary essential myoclonus; SGCE Myoclonus-Dystonia; Myoclonus-Dystonia. Identifiers: Orphanet 36899, MedGen C1834570, MONDO:0008044, OMIM 159900.

Allele frequency attached by ClinVar (database versions not stated): TOPMed below 0.00001.

Submission:

Labcorp Genetics (formerly Invitae), Labcorp
Classification: Uncertain significance for Myoclonic dystonia 11. Last evaluated: 2023-12-30. Review status: criteria provided, single submitter. Criteria: Invitae Variant Classification Sherloc (09022015). Collection method: clinical testing. Allele origin: germline.
Comment: This sequence change replaces asparagine, which is neutral and polar, with serine, which is neutral and polar, at codon 88 of the SGCE protein (p.Asn88Ser). This variant is not present in population databases (gnomAD no frequency). This variant has not been reported in the literature in individuals affected with SGCE-related conditions. Advanced modeling of protein sequence and biophysical properties (such as structural, functional, and spatial information, amino acid conservation, physicochemical variation, residue mobility, and thermodynamic stability) performed at Invitae indicates that this missense variant is not expected to disrupt SGCE protein function with a negative predictive value of 80%. In summary, the available evidence is currently insufficient to determine the role of this variant in disease. Therefore, it has been classified as a Variant of Uncertain Significance.